The following is an entry in ClinVar:

ClinVar aggregate classification (germline): Uncertain significance (1 of 4 stars; one submission).

Conditions:
IPO8-related disorder. Also called: IPO8-related condition.

Submission:

PreventionGenetics, part of Exact Sciences
Classification: Uncertain significance for IPO8-related condition. Last evaluated: 2023-05-27. Review status: criteria provided, single submitter. Criteria: ACMG Guidelines, 2015. Collection method: clinical testing. Allele origin: germline.
Comment: The IPO8 c.2064A>C variant is predicted to result in the amino acid substitution p.Glu688Asp. To our knowledge, this variant has not been reported in the literature or in a large population database, indicating this variant is rare. At this time, the clinical significance of this variant is uncertain due to the absence of conclusive functional and genetic evidence.

NM_006390.4(IPO8):c.2064A>C (p.Glu688Asp)

Gene: IPO8 (importin 8; minus strand). Cytogenetic location: 12p11.21.
Variant type: single nucleotide variant.
Coding change: c.2064A>C on transcript NM_006390.4 (MANE Select); coding-DNA position 2064, A replaced by C.
Protein change: p.Glu688Asp; replaces glutamic acid 688 with aspartic acid.
Molecular consequence: missense variant.
Genome position (GRCh38, 1-based): chr12:30,652,977, T>G on the plus strand (A>C on the coding strand, the complement: IPO8 is on the minus strand). VCF-style: chr12-30652977-T-G. GRCh37 (hg19) VCF-style: chr12-30805911-T-G.
Other names: c.1449A>C, p.Glu483Asp (NM_001190995.2); short protein forms E483D, E688D.
Identifiers: ClinVar variation 2633082 (VCV002633082.1), dbSNP rs2498002953, ClinGen allele CA384225009.